The following is an entry in ClinVar:

ClinVar aggregate classification (germline): Uncertain significance (1 of 4 stars; one submission).

Allele frequency attached by ClinVar (database versions not stated): gnomAD exomes 0.00001.
gnomAD v4.1: 3 of 1,613,562 alleles (0.00019%); highest among the groups gnomAD compares: African/African-American, 0.004%; 1 homozygote.

Submission:

Labcorp Genetics (formerly Invitae), Labcorp
Classification: Uncertain significance. Last evaluated: 2023-03-24. Review status: criteria provided, single submitter. Criteria: Invitae Variant Classification Sherloc (09022015). Collection method: clinical testing. Allele origin: germline.
Comment: This sequence change replaces lysine, which is basic and polar, with asparagine, which is neutral and polar, at codon 204 of the HMOX1 protein (p.Lys204Asn). This variant is not present in population databases (gnomAD no frequency). This variant has not been reported in the literature in individuals affected with HMOX1-related conditions. An algorithm developed to predict the effect of missense changes on protein structure and function (PolyPhen-2) suggests that this variant is likely to be tolerated. In summary, the available evidence is currently insufficient to determine the role of this variant in disease. Therefore, it has been classified as a Variant of Uncertain Significance.

NM_002133.3(HMOX1):c.612G>C (p.Lys204Asn)

Gene: HMOX1 (heme oxygenase 1; plus strand). Cytogenetic location: 22q12.3.
Variant type: single nucleotide variant.
Coding change: c.612G>C on transcript NM_002133.3 (MANE Select); coding-DNA position 612, G replaced by C.
Protein change: p.Lys204Asn; replaces lysine 204 with asparagine.
Molecular consequence: missense variant.
Genome position (GRCh38, 1-based): chr22:35,387,152, G>C. VCF-style: chr22-35387152-G-C. GRCh37 (hg19) VCF-style: chr22-35783145-G-C.
Other names: short protein forms K204N.
Identifiers: ClinVar variation 3000857 (VCV003000857.3), dbSNP rs1218749464, ClinGen allele CA411353395.
Genomic context (GRCh38, chr22:35,387,152, plus strand): 5'-CCGCATGAACTCCCTGGAGATGACTCCCGCAGTCAGGCAGAGGGTGATAGAAGAGGCCAA[G>C]ACTGCGTTCCTGCTCAACATCCAGGTGAGGGTCGGGCAGCCTGGGGCAGCCTCTGCCTCC-3'
Protein context (NP_002124.1, residues 194-214): AVRQRVIEEA[Lys204Asn]TAFLLNIQLF